The following is an entry in ClinVar:

ClinVar aggregate classification (germline): Uncertain significance. Review status: criteria provided, multiple submitters, no conflicts (2 of 4 stars). 2 submissions from 2 submitters: Uncertain significance (2). Last evaluated 2016-10-05.

Conditions:
Cardiomyopathy (CMYO). Also called: Cardiomyopathies. Identifiers: Orphanet 167848, MedGen C0878544, MONDO:0004994, HP:0001638. Inheritance: Various modes of inheritance.

Allele frequency attached by ClinVar (database versions not stated): gnomAD exomes below 0.00001; ExAC 0.00001.
gnomAD v4.1: 11 of 1,613,662 alleles (0.00068%); highest among the groups gnomAD compares: Non-Finnish European, 0.00093%; no homozygotes.

Submissions (2):

CHEO Genetics Diagnostic Laboratory, Children's Hospital of Eastern Ontario
Classification: Uncertain significance for Cardiomyopathy. Last evaluated: 2016-10-05. Review status: criteria provided, single submitter. Criteria: ACMG Guidelines, 2015. Collection method: clinical testing. Allele origin: germline. Study: Canadian Open Genetics Repository.

Laboratory for Molecular Medicine, Mass General Brigham Personalized Medicine
Classification: Uncertain significance. Last evaluated: 2013-10-15. Review status: criteria provided, single submitter. Criteria: LMM Criteria. Collection method: clinical testing. Allele origin: germline. Observed: 2 variant alleles.
Comment: It was absent from large population studies. Comput ational analyses are limited or unavailable for this variant; however, serine at position 4894 is not well conserved in evolution and the variant amino acid (ty rosine, Tyr) is present in several fish species, suggesting that this change may be tolerated. In summary, additional information is needed to fully assess the clinical significant of the Ser4894Tyr variant.

NM_001267550.2(TTN):c.18413C>A (p.Ser6138Tyr)

Genes: TTN (titin; minus strand), LOC126806430 (BRD4-independent group 4 enhancer GRCh37_chr2:179593794-179594993; plus strand). Cytogenetic location: 2q31.2.
Variant type: single nucleotide variant.
Coding change: c.18413C>A on transcript NM_001267550.2 (MANE Select); coding-DNA position 18413, C replaced by A.
Protein change: p.Ser6138Tyr; replaces serine 6138 with tyrosine.
Molecular consequence: missense variant. On other transcripts: intron variant (3).
Genome position (GRCh38, 1-based): chr2:178,729,840, G>T on the plus strand (C>A on the coding strand, the complement: TTN is on the minus strand). VCF-style: chr2-178729840-G-T. GRCh37 (hg19) VCF-style: chr2-179594567-G-T.
Other names: c.17462C>A, p.Ser5821Tyr (NM_001256850.1); c.14681C>A, p.Ser4894Tyr (NM_133378.4); c.13282+8242C>A (NM_003319.4); c.13858+8242C>A (NM_133437.4); c.13657+8242C>A (NM_133432.3); short protein forms S4894Y, S6138Y, S5821Y.
Identifiers: ClinVar variation 178833 (VCV000178833.7), dbSNP rs727504477, ClinGen allele CA183123.